The following is an entry in ClinVar:

ClinVar aggregate classification (germline): Likely pathogenic. Review status: criteria provided, single submitter (1 of 4 stars). 2 submissions from 2 submitters: Likely pathogenic (1). 1 of the submissions does not count toward it. Last evaluated 2025-03-10.

Conditions:
Diabetes mellitus. Also called: Diabetes mellitus (disease). Identifiers: MedGen C0011849, MONDO:0005015, HP:0000819.

Submissions (2):

Labcorp Genetics (formerly Invitae), Labcorp
Classification: Likely pathogenic. Last evaluated: 2025-03-10. Review status: criteria provided, single submitter. Criteria: Invitae Variant Classification Sherloc (09022015). Collection method: clinical testing. Allele origin: germline.
Comment: This sequence change replaces threonine, which is neutral and polar, with proline, which is neutral and non-polar, at codon 321 of the WFS1 protein (p.Thr321Pro). This variant is not present in population databases (gnomAD no frequency). This missense change has been observed in individual(s) with clinical features of Wolfram syndrome (PMID: 33538814; internal data). In at least one individual the data is consistent with being in trans (on the opposite chromosome) from a pathogenic variant. It has also been observed to segregate with disease in related individuals. ClinVar contains an entry for this variant (Variation ID: 918064). Invitae Evidence Modeling of protein sequence and biophysical properties (such as structural, functional, and spatial information, amino acid conservation, physicochemical variation, residue mobility, and thermodynamic stability) indicates that this missense variant is not expected to disrupt WFS1 protein function with a negative predictive value of 95%. In summary, the currently available evidence indicates that the variant is pathogenic, but additional data are needed to prove that conclusively. Therefore, this variant has been classified as Likely Pathogenic.

Constantin Polychronakos Laboratory, The Research Institute of the McGill University Health Centre
Classification: Likely pathogenic for Diabetes mellitus. Review status: no assertion criteria provided. Collection method: research. Allele origin: paternal. Inheritance: Autosomal recessive inheritance. Affected: yes. Study: T1DGC. Not counted in ClinVar's aggregate classification.
Comment: PM2 PM3 PM5 PP3

Literature cited by the submitters: PubMed 33538814 (cited by Labcorp Genetics (formerly Invitae), Labcorp).

NM_006005.3(WFS1):c.961A>C (p.Thr321Pro)

Gene: WFS1 (wolframin ER transmembrane glycoprotein; plus strand). Cytogenetic location: 4p16.1.
Variant type: single nucleotide variant.
Coding change: c.961A>C on transcript NM_006005.3 (MANE Select); coding-DNA position 961, A replaced by C.
Protein change: p.Thr321Pro; replaces threonine 321 with proline.
Molecular consequence: missense variant.
Genome position (GRCh38, 1-based): chr4:6,300,756, A>C. VCF-style: chr4-6300756-A-C. GRCh37 (hg19) VCF-style: chr4-6302483-A-C.
Other names: c.961A>C, p.Thr321Pro (NM_001145853.1); short protein forms T321P.
Identifiers: ClinVar variation 918064 (VCV000918064.7), dbSNP rs1170910466, ClinGen allele CA356173968.